The following is an entry in ClinVar:

NM_001378452.1(ITPR1):c.6554G>C (p.Gly2185Ala)

Gene: ITPR1 (inositol 1,4,5-trisphosphate receptor type 1; plus strand). Cytogenetic location: 3p26.1.
Variant type: single nucleotide variant.
Coding change: c.6554G>C on transcript NM_001378452.1 (MANE Select); coding-DNA position 6554, G replaced by C.
Protein change: p.Gly2185Ala; replaces glycine 2185 with alanine.
Molecular consequence: missense variant.
Genome position (GRCh38, 1-based): chr3:4,783,859, G>C. VCF-style: chr3-4783859-G-C. GRCh37 (hg19) VCF-style: chr3-4825543-G-C.
Other names: c.6410G>C, p.Gly2137Ala (NM_001099952.4); c.6509G>C, p.Gly2170Ala (NM_001168272.2); c.6365G>C, p.Gly2122Ala (NM_002222.7); short protein forms G2122A, G2137A, G2170A, G2185A.
Identifiers: ClinVar variation 2574980 (VCV002574980.1), dbSNP rs2046993227, ClinGen allele CA351640012.

ClinVar aggregate classification (germline): Uncertain significance (1 of 4 stars; one submission).

Allele frequency attached by ClinVar (database versions not stated): TOPMed below 0.00001.

Submission:

GeneDx
Classification: Uncertain significance. Last evaluated: 2023-08-02. Review status: criteria provided, single submitter. Criteria: GeneDx Variant Classification Process June 2021. Collection method: clinical testing. Allele origin: germline. Affected: yes.
Comment: Not observed at significant frequency in large population cohorts (gnomAD); In silico analysis supports that this missense variant does not alter protein structure/function; Has not been previously published as pathogenic or benign to our knowledge